The following is an entry in ClinVar:

NM_000235.4(LIPA):c.1039C>A (p.Leu347Ile)

Gene: LIPA (lipase A, lysosomal acid type; minus strand). Cytogenetic location: 10q23.31.
Variant type: single nucleotide variant.
Coding change: c.1039C>A on transcript NM_000235.4 (MANE Select); coding-DNA position 1039, C replaced by A.
Protein change: p.Leu347Ile; replaces leucine 347 with isoleucine.
Molecular consequence: missense variant.
Genome position (GRCh38, 1-based): chr10:89,214,989, G>T on the plus strand (C>A on the coding strand, the complement: LIPA is on the minus strand). VCF-style: chr10-89214989-G-T. GRCh37 (hg19) VCF-style: chr10-90974746-G-T.
Other names: c.1039C>A, p.Leu347Ile (NM_001127605.3); c.691C>A, p.Leu231Ile (NM_001288979.2); short protein forms L231I, L347I.
Identifiers: ClinVar variation 1448352 (VCV001448352.7), dbSNP rs1455189146, ClinGen allele CA377516280.

ClinVar aggregate classification (germline): Uncertain significance. Review status: criteria provided, multiple submitters, no conflicts (2 of 4 stars). 2 submissions from 2 submitters: Uncertain significance (2). Last evaluated 2022-09-01.

Conditions:
Cardiovascular phenotype. Identifiers: MedGen CN230736.
Wolman disease (WOLD). Also called: Wolman disease with hypolipoproteinemia and acanthocytosis; Acid cholesteryl ester hydrolase deficiency, Wolman type; Acid lipase disease; LYSOSOMAL ACID LIPASE DEFICIENCY, ACUTE INFANTILE; LYSOSOMAL ACID LIPASE DEFICIENCY, COMPLETE; LIPA DEFICIENCY, COMPLETE. Identifiers: Orphanet 75233, MedGen C0043208, MONDO:0019148, OMIM 620151.

Allele frequency attached by ClinVar (database versions not stated): gnomAD exomes below 0.00001.
gnomAD v4.1: 3 of 1,614,146 alleles (0.00019%); highest among the groups gnomAD compares: Non-Finnish European, 0.00017%; no homozygotes.

Submissions (2):

Labcorp Genetics (formerly Invitae), Labcorp
Classification: Uncertain significance for Wolman disease. Last evaluated: 2022-09-01. Review status: criteria provided, single submitter. Criteria: Invitae Variant Classification Sherloc (09022015). Collection method: clinical testing. Allele origin: germline.
Comment: This sequence change replaces leucine, which is neutral and non-polar, with isoleucine, which is neutral and non-polar, at codon 347 of the LIPA protein (p.Leu347Ile). This variant is present in population databases (no rsID available, gnomAD no frequency). This variant has not been reported in the literature in individuals affected with LIPA-related conditions. ClinVar contains an entry for this variant (Variation ID: 1448352). Algorithms developed to predict the effect of missense changes on protein structure and function are either unavailable or do not agree on the potential impact of this missense change (SIFT: "Deleterious"; PolyPhen-2: "Probably Damaging"; Align-GVGD: "Class C0"). In summary, the available evidence is currently insufficient to determine the role of this variant in disease. Therefore, it has been classified as a Variant of Uncertain Significance.

Ambry Genetics
Classification: Uncertain significance for Cardiovascular phenotype. Last evaluated: 2022-07-06. Review status: criteria provided, single submitter. Criteria: Ambry Variant Classification Scheme 2023. Collection method: clinical testing. Allele origin: germline.
Comment: The p.L347I variant (also known as c.1039C>A), located in coding exon 9 of the LIPA gene, results from a C to A substitution at nucleotide position 1039. The leucine at codon 347 is replaced by isoleucine, an amino acid with highly similar properties. This amino acid position is conserved. In addition, this alteration is predicted to be tolerated by in silico analysis. Since supporting evidence is limited at this time, the clinical significance of this alteration remains unclear.